The following is an entry in ClinVar:

ClinVar aggregate classification (germline): Uncertain significance. Review status: criteria provided, multiple submitters, no conflicts (2 of 4 stars). 2 submissions from 2 submitters: Uncertain significance (2). Last evaluated 2023-09-05.

Conditions:
Episodic ataxia type 1 (EA1). Also called: MYOKYMIA WITH PERIODIC ATAXIA; PAROXYSMAL ATAXIA WITH NEUROMYOTONIA, HEREDITARY; ATAXIA, EPISODIC, WITH MYOKYMIA; Episodic ataxia/myokymia syndrome. Identifiers: Orphanet 37612, Orphanet 972, MedGen C1719788, MONDO:0008047, OMIM 160120.

Allele frequency attached by ClinVar (database versions not stated): gnomAD exomes below 0.00001.
gnomAD v4.1: 2 of 1,613,808 alleles (0.00012%); highest among the groups gnomAD compares: Admixed American, 0.0017%; no homozygotes.

Submissions (2):

Mayo Clinic Laboratories, Mayo Clinic
Classification: Uncertain significance. Last evaluated: 2023-09-05. Review status: criteria provided, single submitter. Criteria: ACMG Guidelines, 2015. Collection method: clinical testing. Allele origin: germline. Observed: 1 variant allele.

Labcorp Genetics (formerly Invitae), Labcorp
Classification: Uncertain significance for Episodic ataxia type 1. Last evaluated: 2022-08-23. Review status: criteria provided, single submitter. Criteria: Invitae Variant Classification Sherloc (09022015). Collection method: clinical testing. Allele origin: germline.
Comment: This sequence change replaces alanine, which is neutral and non-polar, with aspartic acid, which is acidic and polar, at codon 466 of the KCNA1 protein (p.Ala466Asp). This variant is present in population databases (no rsID available, gnomAD no frequency). This variant has not been reported in the literature in individuals affected with KCNA1-related conditions. ClinVar contains an entry for this variant (Variation ID: 642349). Advanced modeling of protein sequence and biophysical properties (such as structural, functional, and spatial information, amino acid conservation, physicochemical variation, residue mobility, and thermodynamic stability) performed at Invitae indicates that this missense variant is not expected to disrupt KCNA1 protein function. In summary, the available evidence is currently insufficient to determine the role of this variant in disease. Therefore, it has been classified as a Variant of Uncertain Significance.

NM_000217.3(KCNA1):c.1397C>A (p.Ala466Asp)

Gene: KCNA1 (potassium voltage-gated channel subfamily A member 1; plus strand). Cytogenetic location: 12p13.32.
Variant type: single nucleotide variant.
Coding change: c.1397C>A on transcript NM_000217.3 (MANE Select); coding-DNA position 1397, C replaced by A.
Protein change: p.Ala466Asp; replaces alanine 466 with aspartic acid.
Molecular consequence: missense variant.
Genome position (GRCh38, 1-based): chr12:4,912,775, C>A. VCF-style: chr12-4912775-C-A. GRCh37 (hg19) VCF-style: chr12-5021941-C-A.
Other names: p.Ala466Asp; short protein forms A466D.
Identifiers: ClinVar variation 642349 (VCV000642349.9), dbSNP rs1303950325, ClinGen allele CA383456698.